The following is an entry in ClinVar:

NM_001376.5(DYNC1H1):c.802T>C (p.Ser268Pro)

Gene: DYNC1H1 (dynein cytoplasmic 1 heavy chain 1; plus strand). Cytogenetic location: 14q32.31.
Variant type: single nucleotide variant.
Coding change: c.802T>C on transcript NM_001376.5 (MANE Select); coding-DNA position 802, T replaced by C.
Protein change: p.Ser268Pro; replaces serine 268 with proline.
Molecular consequence: missense variant.
Genome position (GRCh38, 1-based): chr14:101,980,391, T>C. VCF-style: chr14-101980391-T-C. GRCh37 (hg19) VCF-style: chr14-102446728-T-C.
Other names: short protein forms S268P.
Identifiers: ClinVar variation 1720720 (VCV001720720.5), dbSNP rs2503680493, ClinGen allele CA391009575.

ClinVar aggregate classification (germline): Uncertain significance (1 of 4 stars; one submission).

Conditions:
Charcot-Marie-Tooth disease axonal type 2O. Also called: CHARCOT-MARIE-TOOTH NEUROPATHY, AXONAL, TYPE 2O; CHARCOT-MARIE-TOOTH DISEASE, AXONAL, AUTOSOMAL DOMINANT, TYPE 2O; Charcot-Marie-Tooth disease, axonal, type 20; Charcot-Marie-Tooth Neuropathy Type 2O. Identifiers: Orphanet 284232, MedGen C3280220, MONDO:0013644, OMIM 614228.

Allele frequency attached by ClinVar (database versions not stated): gnomAD exomes below 0.00001.
gnomAD v4.1: 1 of 1,614,242 alleles (0.000062%); highest among the groups gnomAD compares: Non-Finnish European, 0.000085%; no homozygotes.

Submission:

Labcorp Genetics (formerly Invitae), Labcorp
Classification: Uncertain significance for Charcot-Marie-Tooth disease axonal type 2O. Last evaluated: 2022-11-24. Review status: criteria provided, single submitter. Criteria: Invitae Variant Classification Sherloc (09022015). Collection method: clinical testing. Allele origin: germline.
Comment: In summary, the available evidence is currently insufficient to determine the role of this variant in disease. Therefore, it has been classified as a Variant of Uncertain Significance. Advanced modeling of protein sequence and biophysical properties (such as structural, functional, and spatial information, amino acid conservation, physicochemical variation, residue mobility, and thermodynamic stability) performed at Invitae indicates that this missense variant is expected to disrupt DYNC1H1 protein function. This missense change has been observed in at least one individual who was not affected with DYNC1H1-related conditions (Invitae). This variant has not been reported in the literature in individuals affected with DYNC1H1-related conditions. This variant is not present in population databases (gnomAD no frequency). This sequence change replaces serine, which is neutral and polar, with proline, which is neutral and non-polar, at codon 268 of the DYNC1H1 protein (p.Ser268Pro).